The following is an entry in ClinVar:

ClinVar aggregate classification (germline): Uncertain significance (1 of 4 stars; one submission).

Conditions:
Familial cancer of breast. Also called: BREAST CANCER, FAMILIAL; hereditary breast carcinoma; Hereditary breast cancer. Identifiers: Orphanet 227535, MedGen C0346153, MONDO:0016419, OMIM 114480. Disease mechanism: loss of function.

Submission:

Labcorp Genetics (formerly Invitae), Labcorp
Classification: Uncertain significance for Familial cancer of breast. Last evaluated: 2025-03-06. Review status: criteria provided, single submitter. Criteria: Invitae Variant Classification Sherloc (09022015). Collection method: clinical testing. Allele origin: germline.
Comment: This sequence change replaces proline, which is neutral and non-polar, with alanine, which is neutral and non-polar, at codon 610 of the BARD1 protein (p.Pro610Ala). This variant is not present in population databases (gnomAD no frequency). This variant has not been reported in the literature in individuals affected with BARD1-related conditions. An algorithm developed to predict the effect of missense changes on protein structure and function (PolyPhen-2) suggests that this variant is likely to be tolerated. In summary, the available evidence is currently insufficient to determine the role of this variant in disease. Therefore, it has been classified as a Variant of Uncertain Significance.

NM_000465.4(BARD1):c.1828C>G (p.Pro610Ala)

Gene: BARD1 (BRCA1 associated RING domain 1; minus strand). Cytogenetic location: 2q35.
Variant type: single nucleotide variant.
Coding change: c.1828C>G on transcript NM_000465.4 (MANE Select); coding-DNA position 1828, C replaced by G.
Protein change: p.Pro610Ala; replaces proline 610 with alanine.
Molecular consequence: missense variant. On other transcripts: non-coding transcript variant (3), intron variant (1).
Genome position (GRCh38, 1-based): chr2:214,745,142, G>C on the plus strand (C>G on the coding strand, the complement: BARD1 is on the minus strand). VCF-style: chr2-214745142-G-C. GRCh37 (hg19) VCF-style: chr2-215609866-G-C.
Other names: c.1771C>G, p.Pro591Ala (NM_001282543.2); c.475C>G, p.Pro159Ala (NM_001282545.2); c.418C>G, p.Pro140Ala (NM_001282548.2); c.365-14634C>G (NM_001282549.2); short protein forms P159A, P610A, P140A, P591A.
Identifiers: ClinVar variation 4769927 (VCV004769927.1).